The following is an entry in ClinVar:

ClinVar aggregate classification (germline): Pathogenic/Likely pathogenic. Review status: criteria provided, multiple submitters, no conflicts (2 of 4 stars). 4 submissions from 4 submitters: Pathogenic (1); Likely pathogenic (3). Last evaluated 2025-09-29.

Conditions:
Cone-rod dystrophy 3 (CORD3). Identifiers: Orphanet 1872, MedGen C1858806, MONDO:0011395, OMIM 604116.
Age related macular degeneration 2. Also called: MACULOPATHY, AGE-RELATED; MACULAR DEGENERATION, SENILE; MACULOPATHY, AGE-RELATED, 2. Identifiers: MedGen C3495438, MONDO:0007932, OMIM 153800.
Severe early-childhood-onset retinal dystrophy (STGD1). Also called: STGD; Stargardt macular dystrophy; Juvenile onset macular degeneration; Stargardt disease 1; MACULAR DYSTROPHY WITH FLECKS, TYPE 1. Identifiers: Orphanet 364055, Orphanet 827, MedGen C1855465, MeSH D000080362, MONDO:0009549, OMIM 248200.
Retinitis pigmentosa 19 (RP19). Also called: ABCA4-Related Retinitis Pigmentosa. Identifiers: Orphanet 791, MedGen C1866422, MONDO:0011137, OMIM 601718.
Stargardt disease (FFM). Also called: Stargardt's disease; Fundus flavimaculatus. Identifiers: Orphanet 827, MedGen C0271093, MONDO:0019353.
ABCA4-related disorder. Also called: ABCA4-related disorders; ABCA4-related condition. Identifiers: MedGen CN239167.

Submissions (4):

Women's Health and Genetics/Laboratory Corporation of America, LabCorp
Classification: Likely pathogenic for Stargardt disease. Last evaluated: 2025-09-29. Review status: criteria provided, single submitter. Criteria: LabCorp Variant Classification Summary - May 2015. Collection method: clinical testing. Allele origin: germline.
Comment: Variant summary: ABCA4 c.2972G>T (p.Gly991Val) results in a non-conservative amino acid change located in the ABC transporter-like, ATP-binding domain (IPR003439) of the encoded protein sequence. Algorithms developed to predict the effect of missense changes on protein structure and function all suggest that this variant is likely to be disruptive. The variant was absent in 251492 control chromosomes. c.2972G>T has been reported in the literature as a biallelic genotype in individuals affected with or with clinical features of Stargardt Disease, although the presence and/or identity of a second variant was not always specified (e.g. Fujinami_2013, Rodriguez-Munoz_2020, Glinton_2022, Cornelis_2022). These data do not allow any strong conclusion about variant significance. To our knowledge, no experimental evidence demonstrating an impact on protein function has been reported. However, a different missense variant affecting the same codon (c.2971G>C, p.Gly991Arg) has been determined to be likely pathogenic/pathogenic by our laboratory, supporting the critical relevance of codon 991 for ABCA4 protein function. The following publications have been ascertained in the context of this evaluation (PMID: 35120629, 23982839, 36178783, 32036094, 34996991). ClinVar contains an entry for this variant (Variation ID: 1452669). Based on the evidence outlined above, the variant was classified as likely pathogenic.

Labcorp Genetics (formerly Invitae), Labcorp
Classification: Pathogenic. Last evaluated: 2024-10-26. Review status: criteria provided, single submitter. Criteria: Invitae Variant Classification Sherloc (09022015). Collection method: clinical testing. Allele origin: germline.
Comment: This sequence change replaces glycine, which is neutral and non-polar, with valine, which is neutral and non-polar, at codon 991 of the ABCA4 protein (p.Gly991Val). This variant is not present in population databases (gnomAD no frequency). This missense change has been observed in individual(s) with ABCA4-related conditions (PMID: 23982839, 32036094). ClinVar contains an entry for this variant (Variation ID: 1452669). Invitae Evidence Modeling of protein sequence and biophysical properties (such as structural, functional, and spatial information, amino acid conservation, physicochemical variation, residue mobility, and thermodynamic stability) indicates that this missense variant is expected to disrupt ABCA4 protein function with a positive predictive value of 95%. This variant disrupts the p.Gly991 amino acid residue in ABCA4. Other variant(s) that disrupt this residue have been determined to be pathogenic (PMID: 11379881, 25066811, 28446513, 32278709). This suggests that this residue is clinically significant, and that variants that disrupt this residue are likely to be disease-causing. For these reasons, this variant has been classified as Pathogenic.

Fulgent Genetics
Classification: Likely pathogenic for Age related macular degeneration 2; Severe early-childhood-onset retinal dystrophy; Retinitis pigmentosa 19; Cone-rod dystrophy 3. Last evaluated: 2024-03-28. Review status: criteria provided, single submitter. Criteria: ACMG Guidelines, 2015. Collection method: clinical testing. Allele origin: germline.

Blueprint Genetics
Classification: Likely pathogenic for ABCA4-related disorders. Last evaluated: 2022-02-03. Review status: criteria provided, single submitter. Criteria: ACMG Guidelines, 2015. Collection method: clinical testing. Allele origin: germline. Affected: yes. Observed: 3 variant alleles.

Literature cited by the submitters: PubMed 32036094 (cited by Women's Health and Genetics/Laboratory Corporation of America, LabCorp and Labcorp Genetics (formerly Invitae), Labcorp); PubMed 23982839 (cited by Women's Health and Genetics/Laboratory Corporation of America, LabCorp and Labcorp Genetics (formerly Invitae), Labcorp); PubMed 36178783 (cited by Women's Health and Genetics/Laboratory Corporation of America, LabCorp); PubMed 35120629 (cited by Women's Health and Genetics/Laboratory Corporation of America, LabCorp); PubMed 34996991 (cited by Women's Health and Genetics/Laboratory Corporation of America, LabCorp); PubMed 11379881 (cited by Labcorp Genetics (formerly Invitae), Labcorp); PubMed 25066811 (cited by Labcorp Genetics (formerly Invitae), Labcorp); PubMed 28446513 (cited by Labcorp Genetics (formerly Invitae), Labcorp); PubMed 32278709 (cited by Labcorp Genetics (formerly Invitae), Labcorp).

NM_000350.3(ABCA4):c.2972G>T (p.Gly991Val)

Gene: ABCA4 (ATP binding cassette subfamily A member 4; minus strand). Cytogenetic location: 1p22.1.
Variant type: single nucleotide variant.
Coding change: c.2972G>T on transcript NM_000350.3 (MANE Select); coding-DNA position 2972, G replaced by T.
Protein change: p.Gly991Val; replaces glycine 991 with valine.
Molecular consequence: missense variant.
Genome position (GRCh38, 1-based): chr1:94,044,691, C>A on the plus strand (G>T on the coding strand, the complement: ABCA4 is on the minus strand). VCF-style: chr1-94044691-C-A. GRCh37 (hg19) VCF-style: chr1-94510247-C-A.
Other names: c.2750G>T, p.Gly917Val (NM_001425324.1); c.2972G>T (NM_000350.2); short protein forms G991V, G917V.
Identifiers: ClinVar variation 1452669 (VCV001452669.12), dbSNP rs1297410481, ClinGen allele CA341275178.